The following is an entry in ClinVar:

NM_003742.4(ABCB11):c.843del (p.Asp282fs)

Gene: ABCB11 (ATP binding cassette subfamily B member 11; minus strand). Cytogenetic location: 2q31.1.
Variant type: Deletion.
Coding change: c.843del on transcript NM_003742.4 (MANE Select); coding-DNA position 843, one base deleted (T; older notation c.843delT).
Protein change: p.Asp282fs; shifts the reading frame from aspartic acid 282.
Molecular consequence: frameshift variant.
Genome position (GRCh38, 1-based): chr2:168,990,866, A deleted on the plus strand (T on the coding strand, the reverse complement: ABCB11 is on the minus strand). VCF-style (leftmost placement, unchanged base first): chr2-168990865-CA-C. GRCh37 (hg19) VCF-style: chr2-169847375-CA-C.
Other names: short protein forms D282fs.
Identifiers: ClinVar variation 1456227 (VCV001456227.6), dbSNP rs2106004956, ClinGen allele CA2573133572.
Genomic context (GRCh38, chr2:168,990,865, plus strand): 5'-CAACCTCTCTTTTCTCACCACCAAAAGCAGCCACTGTTCTCATTGATGAAATGACTTCAT[CA>C]GCCACCACCCCTGCTTTGGCATAGGCCTTCAGCTCATAGTCCGTAAACTTGGACACACTC-3'

ClinVar aggregate classification (germline): Pathogenic (1 of 4 stars; one submission).

Submission:

Labcorp Genetics (formerly Invitae), Labcorp
Classification: Pathogenic. Last evaluated: 2021-10-22. Review status: criteria provided, single submitter. Criteria: Invitae Variant Classification Sherloc (09022015). Collection method: clinical testing. Allele origin: germline.
Comment: For these reasons, this variant has been classified as Pathogenic. This variant has not been reported in the literature in individuals affected with ABCB11-related conditions. This variant is not present in population databases (ExAC no frequency). This sequence change creates a premature translational stop signal (p.Asp282Metfs*7) in the ABCB11 gene. It is expected to result in an absent or disrupted protein product. Loss-of-function variants in ABCB11 are known to be pathogenic (PMID: 18395098, 20232290).

Literature cited by the submitters: PubMed 18395098; PubMed 20232290.